The following is an entry in ClinVar:

NM_004177.5(STX3):c.242C>T (p.Thr81Met)

Gene: STX3 (syntaxin 3; plus strand). Cytogenetic location: 11q12.1.
Variant type: single nucleotide variant.
Coding change: c.242C>T on transcript NM_004177.5 (MANE Select); coding-DNA position 242, C replaced by T.
Protein change: p.Thr81Met; replaces threonine 81 with methionine.
Molecular consequence: missense variant.
Genome position (GRCh38, 1-based): chr11:59,788,900, C>T. VCF-style: chr11-59788900-C-T. GRCh37 (hg19) VCF-style: chr11-59556373-C-T.
Other names: c.242C>T, p.Thr81Met (NM_001178040.3); short protein forms T81M.
Identifiers: ClinVar variation 1054838 (VCV001054838.5), dbSNP rs372929986, ClinGen allele CA6020786.

ClinVar aggregate classification (germline): Uncertain significance. Review status: criteria provided, multiple submitters, no conflicts (2 of 4 stars). 2 submissions from 2 submitters: Uncertain significance (2). Last evaluated 2022-08-01.

Conditions:
Inborn genetic diseases. Identifiers: MedGen C0950123, MeSH D030342.

Allele frequency attached by ClinVar (database versions not stated): gnomAD 0.00003 and 0.00004; gnomAD exomes 0.00003; TOPMed 0.00003; ExAC 0.00006; ESP Exome Variant Server 0.00008.
gnomAD v4.1: 48 of 1,612,278 alleles (0.003%); highest among the groups gnomAD compares: African/African-American, 0.004%; no homozygotes.

Submissions (2):

Ambry Genetics
Classification: Uncertain significance for Inborn genetic diseases. Last evaluated: 2022-08-01. Review status: criteria provided, single submitter. Criteria: Ambry Variant Classification Scheme 2023. Collection method: clinical testing. Allele origin: germline.

Labcorp Genetics (formerly Invitae), Labcorp
Classification: Uncertain significance. Last evaluated: 2021-11-06. Review status: criteria provided, single submitter. Criteria: Invitae Variant Classification Sherloc (09022015). Collection method: clinical testing. Allele origin: germline.
Comment: This sequence change replaces threonine, which is neutral and polar, with methionine, which is neutral and non-polar, at codon 81 of the STX3 protein (p.Thr81Met). This variant is present in population databases (rs372929986, gnomAD 0.05%). This variant has not been reported in the literature in individuals affected with STX3-related conditions. ClinVar contains an entry for this variant (Variation ID: 1054838). Algorithms developed to predict the effect of missense changes on protein structure and function are either unavailable or do not agree on the potential impact of this missense change (SIFT: "Tolerated"; PolyPhen-2: "Possibly Damaging"; Align-GVGD: "Class C0"). In summary, the available evidence is currently insufficient to determine the role of this variant in disease. Therefore, it has been classified as a Variant of Uncertain Significance.